The following is an entry in ClinVar:

ClinVar aggregate classification (germline): Likely benign (1 of 4 stars; one submission).

Submission:

CeGaT Center for Human Genetics Tuebingen
Classification: Likely benign. Last evaluated: 2026-02-01. Review status: criteria provided, single submitter. Criteria: CeGaT Center For Human Genetics Tuebingen Variant Classification Criteria Version 2. Collection method: clinical testing. Allele origin: germline. Affected: yes. Observed: 1 variant allele.
Comment: SCN8A: PM2:Supporting, BP4, BP7

NM_001330260.2(SCN8A):c.1776G>A (p.Glu592=)

Gene: SCN8A (sodium voltage-gated channel alpha subunit 8; plus strand). Cytogenetic location: 12q13.13.
Variant type: single nucleotide variant.
Coding change: c.1776G>A on transcript NM_001330260.2 (MANE Select); coding-DNA position 1776, G replaced by A.
Protein change: p.Glu592=; no amino-acid change (glutamic acid 592 retained).
Molecular consequence: synonymous variant.
Genome position (GRCh38, 1-based): chr12:51,721,686, G>A. VCF-style: chr12-51721686-G-A. GRCh37 (hg19) VCF-style: chr12-52115470-G-A.
Other names: c.1776G>A, p.Glu592= (NM_001177984.3, NM_001369788.1, NM_014191.4).
Identifiers: ClinVar variation 4822681 (VCV004822681.4).